The following is an entry in ClinVar:

ClinVar aggregate classification (germline): Conflicting classifications of pathogenicity. Review status: criteria provided, conflicting classifications (1 of 4 stars). 2 submissions from 2 submitters: Uncertain significance (1); Likely benign (1). Last evaluated 2026-01-04.

Conditions:
Inborn genetic diseases. Identifiers: MedGen C0950123, MeSH D030342.
Baller-Gerold syndrome (BGS). Also called: CRANIOSYNOSTOSIS WITH RADIAL DEFECTS. Identifiers: Orphanet 1225, MedGen C0265308, MONDO:0009039, OMIM 218600.

Allele frequency attached by ClinVar (database versions not stated): gnomAD exomes 0.00003 and 0.00005; gnomAD 0.00006; ExAC 0.00008.
gnomAD v4.1: 61 of 1,608,612 alleles (0.0038%); highest among the groups gnomAD compares: East Asian, 0.029%; 1 homozygote.

Submissions (2):

Labcorp Genetics (formerly Invitae), Labcorp
Classification: Uncertain significance for Baller-Gerold syndrome. Last evaluated: 2026-01-04. Review status: criteria provided, single submitter. Criteria: Invitae Variant Classification Sherloc (09022015). Collection method: clinical testing. Allele origin: germline.
Comment: This sequence change replaces arginine, which is basic and polar, with glutamine, which is neutral and polar, at codon 758 of the RECQL4 protein (p.Arg758Gln). This variant is present in population databases (rs748416710, gnomAD 0.04%). This variant has not been reported in the literature in individuals affected with RECQL4-related conditions. ClinVar contains an entry for this variant (Variation ID: 573768). Invitae Evidence Modeling of protein sequence and biophysical properties (such as structural, functional, and spatial information, amino acid conservation, physicochemical variation, residue mobility, and thermodynamic stability) indicates that this missense variant is not expected to disrupt RECQL4 protein function with a negative predictive value of 80%. In summary, the available evidence is currently insufficient to determine the role of this variant in disease. Therefore, it has been classified as a Variant of Uncertain Significance.

Ambry Genetics
Classification: Likely benign for Inborn genetic diseases. Last evaluated: 2024-11-22. Review status: criteria provided, single submitter. Criteria: Ambry Variant Classification Scheme 2023. Collection method: clinical testing. Allele origin: germline.

NM_004260.4(RECQL4):c.2273G>A (p.Arg758Gln)

Gene: RECQL4 (RecQ like helicase 4; minus strand). Cytogenetic location: 8q24.3.
Variant type: single nucleotide variant.
Coding change: c.2273G>A on transcript NM_004260.4 (MANE Select); coding-DNA position 2273, G replaced by A.
Protein change: p.Arg758Gln; replaces arginine 758 with glutamine.
Molecular consequence: missense variant.
Genome position (GRCh38, 1-based): chr8:144,513,408, C>T on the plus strand (G>A on the coding strand, the complement: RECQL4 is on the minus strand). VCF-style: chr8-144513408-C-T. GRCh37 (hg19) VCF-style: chr8-145738792-C-T.
Other names: short protein forms R758Q.
Identifiers: ClinVar variation 573768 (VCV000573768.9), dbSNP rs748416710, ClinGen allele CA4948351.